The following is an entry in ClinVar:

ClinVar aggregate classification (germline): Uncertain significance. Review status: criteria provided, multiple submitters, no conflicts (2 of 4 stars). 2 submissions from 2 submitters: Uncertain significance (2). Last evaluated 2026-08-22.

Conditions:
Cardiovascular phenotype. Identifiers: MedGen CN230736.
Duchenne muscular dystrophy (DMD). Also called: MUSCULAR DYSTROPHY, PSEUDOHYPERTROPHIC PROGRESSIVE, DUCHENNE TYPE; Duchenne Muscular Dystrophy (DMD). Identifiers: Orphanet 98896, MedGen C0013264, MONDO:0010679, OMIM 310200.

Allele frequency attached by ClinVar (database versions not stated): gnomAD 0.00001; gnomAD exomes below 0.00001; TOPMed 0.00001.
gnomAD v4.1: 4 of 1,208,275 alleles (0.00033%); highest among the groups gnomAD compares: Non-Finnish European, 0.00034%; no homozygotes.

Submissions (2):

Ambry Genetics
Classification: Uncertain significance for Cardiovascular phenotype. Last evaluated: 2026-08-22. Review status: criteria provided, single submitter. Criteria: Ambry Variant Classification Scheme 2023. Collection method: clinical testing. Allele origin: germline.
Comment: The p.E2887K variant (also known as c.8659G>A), located in coding exon 58 of the DMD gene, results from a G to A substitution at nucleotide position 8659. The glutamic acid at codon 2887 is replaced by lysine, an amino acid with similar properties. This amino acid position is conserved. In addition, this alteration is predicted to be deleterious by in silico analysis. Based on the available evidence, the clinical significance of this variant remains unclear.

Labcorp Genetics (formerly Invitae), Labcorp
Classification: Uncertain significance for Duchenne muscular dystrophy. Last evaluated: 2022-10-07. Review status: criteria provided, single submitter. Criteria: Invitae Variant Classification Sherloc (09022015). Collection method: clinical testing. Allele origin: germline.
Comment: This variant has not been reported in the literature in individuals affected with DMD-related conditions. This variant is not present in population databases (gnomAD no frequency). This sequence change replaces glutamic acid, which is acidic and polar, with lysine, which is basic and polar, at codon 2887 of the DMD protein (p.Glu2887Lys). Advanced modeling of protein sequence and biophysical properties (such as structural, functional, and spatial information, amino acid conservation, physicochemical variation, residue mobility, and thermodynamic stability) performed at Invitae indicates that this missense variant is not expected to disrupt DMD protein function. In summary, the available evidence is currently insufficient to determine the role of this variant in disease. Therefore, it has been classified as a Variant of Uncertain Significance.

NM_004006.3(DMD):c.8659G>A (p.Glu2887Lys)

Gene: DMD (dystrophin; minus strand). Cytogenetic location: Xp21.2.
Variant type: single nucleotide variant.
Coding change: c.8659G>A on transcript NM_004006.3 (MANE Select); coding-DNA position 8659, G replaced by A.
Protein change: p.Glu2887Lys; replaces glutamic acid 2887 with lysine.
Molecular consequence: missense variant.
Genome position (GRCh38, 1-based): chrX:31,478,992, C>T on the plus strand (G>A on the coding strand, the complement: DMD is on the minus strand). VCF-style: chrX-31478992-C-T. GRCh37 (hg19) VCF-style: chrX-31497109-C-T.
Other names: c.8635G>A, p.Glu2879Lys (NM_000109.4); c.8647G>A, p.Glu2883Lys (NM_004009.3); c.8290G>A, p.Glu2764Lys (NM_004010.3); c.4636G>A, p.Glu1546Lys (NM_004011.4); c.4627G>A, p.Glu1543Lys (NM_004012.4); c.1279G>A, p.Glu427Lys (NM_004013.3, NM_004020.4, NM_004021.3 and 2 more transcripts); c.472G>A, p.Glu158Lys (NM_004014.3); short protein forms E1543K, E1546K, E158K, E2764K, E2879K, E2883K, E2887K, E427K.
Identifiers: ClinVar variation 2428252 (VCV002428252.8), dbSNP rs2068034053, ClinGen allele CA412654443.
Genomic context (GRCh38, chrX:31,478,992, plus strand): 5'-TCACCACTGATCCTTCTATCAATATGTTATTATAGTTCCACATTCAATTACCTCTGGGCT[C>T]CTGGTAGAGTTTCTCTAGTCCTTCCAAAGGCTGCTCTGTCAGAAATATTCGTACAGTCTC-3'
Protein context (NP_003997.2, residues 2877-2897): PLEGLEKLYQ[Glu2887Lys]PRELPPEERA